The following is an entry in ClinVar:

ClinVar aggregate classification (germline): Likely pathogenic (1 of 4 stars; one submission).

Conditions:
Hereditary spherocytosis type 2. Also called: SPHEROCYTOSIS, TYPE 2, AUTOSOMAL DOMINANT. Identifiers: Orphanet 822, MedGen C2674219, MONDO:0000913, OMIM 616649.

Submission:

Broad Center for Mendelian Genomics, Broad Institute of MIT and Harvard
Classification: Likely pathogenic for Hereditary spherocytosis type 2. Last evaluated: 2023-01-25. Review status: criteria provided, single submitter. Criteria: ACMG Guidelines, 2015. Collection method: curation. Allele origin: germline. Inheritance: Autosomal dominant inheritance.
Comment: The p.Lys1393SerfsTer19 variant in SPTB has not been previously reported in individuals with spherocytosis type 2. This variant was absent from large population studies. This variant is predicted to cause a frameshift, which alters the protein‚Äôs amino acid sequence beginning at position 1393 and leads to a premature termination codon 19 amino acids downstream. This alteration is then predicted to lead to a truncated or absent protein. Heterozygous loss of function of the SPTB gene is an established disease mechanism in autosomal dominant spherocytosis type 2. In summary, although additional studies are required to fully establish its clinical significance, this variant is likely pathogenic for autosomal dominant spherocytosis type 2. ACMG/AMP Criteria applied: PVS1, PM2_Supporting (Richards 2015).

NM_001355436.2(SPTB):c.4178del (p.Lys1393fs)

Gene: SPTB (spectrin beta, erythrocytic; minus strand). Cytogenetic location: 14q23.3.
Variant type: Deletion.
Coding change: c.4178del on transcript NM_001355436.2 (MANE Select); coding-DNA position 4178, one base deleted (A; older notation c.4178delA).
Protein change: p.Lys1393fs; shifts the reading frame from lysine 1393.
Molecular consequence: frameshift variant.
Genome position (GRCh38, 1-based): chr14:64,782,378, T deleted on the plus strand (A on the coding strand, the reverse complement: SPTB is on the minus strand); the first of 2 consecutive T bases (chr14:64,782,378-64,782,379); deleting either gives the same sequence. VCF-style (leftmost placement, unchanged base first): chr14-64782377-CT-C. GRCh37 (hg19) VCF-style: chr14-65249095-CT-C.
Other names: NM_001024858.4:c.4178del; c.4178del, p.Lys1393fs (NM_001024858.4, NM_001355437.2); short protein forms K1393fs.
Identifiers: ClinVar variation 2412736 (VCV002412736.1), dbSNP rs2503102921, ClinGen allele CA2573332466.